The following is an entry in ClinVar:

NM_001958.5(EEF1A2):c.*8G>A

Gene: EEF1A2 (eukaryotic translation elongation factor 1 alpha 2; minus strand). Cytogenetic location: 20q13.33.
Variant type: single nucleotide variant.
Coding change: c.*8G>A on transcript NM_001958.5 (MANE Select); 8 bases downstream of the stop codon, G replaced by A.
Molecular consequence: 3 prime UTR variant.
Genome position (GRCh38, 1-based): chr20:63,488,290, C>T on the plus strand (G>A on the coding strand, the complement: EEF1A2 is on the minus strand). VCF-style: chr20-63488290-C-T. GRCh37 (hg19) VCF-style: chr20-62119643-C-T.
Identifiers: ClinVar variation 3385098 (VCV003385098.1).

ClinVar aggregate classification (germline): Uncertain significance (1 of 4 stars; one submission).

Submission:

Women's Health and Genetics/Laboratory Corporation of America, LabCorp
Classification: Uncertain significance. Last evaluated: 2024-10-25. Review status: criteria provided, single submitter. Criteria: LabCorp Variant Classification Summary - May 2015. Collection method: clinical testing. Allele origin: germline.
Comment: Variant summary: EEF1A2 c.*8G>A is located in the untranslated mRNA region downstream of the termination codon. The frequency data for this variant in gnomAD is considered unreliable, as metrics indicate poor data quality at this position. To our knowledge, no occurrence of c.*8G>A in individuals affected with EEF1A2-Related Disorders and no experimental evidence demonstrating its impact on protein function have been reported. No submitters have cited clinical-significance assessments for this variant to ClinVar. Based on the evidence outlined above, the variant was classified as uncertain significance.